The following is an entry in ClinVar:

NM_018121.4(SLF2):c.1710_1714dup (p.Pro572fs)

Gene: SLF2 (SMC5/6 complex localization factor 2; plus strand). Cytogenetic location: 10q24.31.
Variant type: Duplication.
Coding change: c.1710_1714dup on transcript NM_018121.4 (MANE Select); coding-DNA positions 1710 to 1714, 5 bases duplicated (AGCAC; older notation c.1710_1714dupAGCAC).
Protein change: p.Pro572fs; shifts the reading frame from proline 572.
Molecular consequence: frameshift variant.
Genome position (GRCh38, 1-based): chr10:100,924,711-100,924,715, AGCAC duplicated; duplicating any 5 consecutive bases within chr10:100,924,710-100,924,715 gives the same sequence; the c. name uses the placement nearest the transcript's 3' end. VCF-style (leftmost placement, unchanged base first): chr10-100924709-G-GCAGCA. GRCh37 (hg19) VCF-style: chr10-102684466-G-GCAGCA.
Other names: c.1710_1714dupAGCAC (NM_018121.4); c.1710_1714dup, p.Pro572fs (NM_001136123.2); short protein forms P572fs.
Identifiers: ClinVar variation 4845892 (VCV004845892.1).

ClinVar aggregate classification (germline): Likely pathogenic (1 of 4 stars; one submission).

Conditions:
Atelis syndrome 1 (ATELS1). Also called: POOR GROWTH, MICROCEPHALY, DEVELOPMENTAL DELAY, AND ANEMIA; MOSAIC VARIEGATED ANEUPLOIDY SYNDROME 5. Identifiers: MedGen C5774281, MONDO:0859575, OMIM 620184.

Submission:

First Genomix Gene Laboratory, Genetic Diagnostics Department
Classification: Likely pathogenic for Atelis syndrome 1. Last evaluated: 2025-05-12. Review status: criteria provided, single submitter. Criteria: ACMG Guidelines, 2015. Collection method: clinical testing. Allele origin: germline. Inheritance: Autosomal recessive inheritance. Affected: no. Observed: 1 variant allele.